The following is an entry in ClinVar:

NM_025136.4(OPA3):c.*4318T>C

Genes: OPA3 (outer mitochondrial membrane lipid metabolism regulator OPA3; minus strand), OPA3-RTN2 (OPA3-RTN2 readthrough; minus strand). Cytogenetic location: 19q13.32.
Variant type: single nucleotide variant.
Coding change: c.*4318T>C on transcript NM_025136.4 (MANE Select); 4318 bases downstream of the stop codon, T replaced by C.
Molecular consequence: 3 prime UTR variant. On other transcripts: intron variant (1).
Genome position (GRCh38, 1-based): chr19:45,549,196, A>G on the plus strand (T>C on the coding strand, the complement: OPA3 is on the minus strand). VCF-style: chr19-45549196-A-G. GRCh37 (hg19) VCF-style: chr19-46052454-A-G.
Other names: c.143-19740T>C (NM_001017989.3).
Identifiers: ClinVar variation 329609 (VCV000329609.6), dbSNP rs4802261, ClinGen allele CA10652115.

ClinVar aggregate classification (germline): Benign. Review status: criteria provided, multiple submitters, no conflicts (2 of 4 stars). 3 submissions from 2 submitters: Benign (3). Last evaluated 2018-01-12.

Conditions:
Optic atrophy 3 (OPA3). Also called: OPTIC ATROPHY 3, AUTOSOMAL DOMINANT; Optic atrophy, cataract, and neurologic disorder; Optic atrophy 3 with cataract. Identifiers: Orphanet 67036, MedGen C1833809, MONDO:0008133, OMIM 165300.
3-Methylglutaconic aciduria type 3 (MGCA3). Also called: OPA3, AUTOSOMAL RECESSIVE; OPTIC ATROPHY 3, AUTOSOMAL RECESSIVE; Costeff Syndrome; OPA3-Related 3-Methylglutaconic Aciduria. Identifiers: Orphanet 67047, MedGen C0574084, MONDO:0009787, OMIM 258501.

Allele frequency attached by ClinVar (database versions not stated): gnomAD exomes 0.64065; gnomAD 0.69665 and 0.69831; TOPMed 0.70428; 1000 Genomes Project 30x 0.75484; 1000 Genomes Project 0.75839.
gnomAD v4.1: 639,925 of 985,058 alleles (65%); highest among the groups gnomAD compares: East Asian, 87%; 208,986 homozygotes.

Submissions (3):

Illumina Laboratory Services, Illumina
Classification: Benign for Optic atrophy 3. Last evaluated: 2018-01-12. Review status: criteria provided, single submitter. Criteria: ICSL Variant Classification Criteria 13 December 2019. Collection method: clinical testing. Allele origin: germline.
Comment: This variant was observed in the ICSL laboratory as part of a predisposition screen in an ostensibly healthy population. It had not been previously curated by ICSL or reported in the Human Gene Mutation Database (HGMD: prior to June 1st, 2018), and was therefore a candidate for classification through an automated scoring system. Utilizing variant allele frequency, disease prevalence and penetrance estimates, and inheritance mode, an automated score was calculated to assess if this variant is too frequent to cause the disease. Based on the score and internal cut-off values, a variant classified as benign is not then subjected to further curation. The score for this variant resulted in a classification of benign for this disease.

Illumina Laboratory Services, Illumina
Classification: Benign for 3-Methylglutaconic aciduria type 3. Last evaluated: 2018-01-12. Review status: criteria provided, single submitter. Criteria: ICSL Variant Classification Criteria 13 December 2019. Collection method: clinical testing. Allele origin: germline.
Comment: the same text as in the submission from Illumina Laboratory Services, Illumina above.

Breakthrough Genomics
Classification: Benign. Review status: criteria provided, single submitter. Criteria: ACMG Guidelines, 2015. Collection method: not provided. Allele origin: germline. Inheritance: Autosomal recessive inheritance. Affected: yes.